The following is an entry in ClinVar:

NM_031421.5(ODAD4):c.245del (p.Lys82fs)

Gene: ODAD4 (outer dynein arm docking complex subunit 4; plus strand). Cytogenetic location: 17q21.2.
Variant type: Deletion.
Coding change: c.245del on transcript NM_031421.5 (MANE Select); coding-DNA position 245, one base deleted (A; older notation c.245delA).
Protein change: p.Lys82fs; shifts the reading frame from lysine 82.
Molecular consequence: frameshift variant. On other transcripts: non-coding transcript variant (3).
Genome position (GRCh38, 1-based): chr17:41,935,347, A deleted; the last of 2 consecutive A bases (chr17:41,935,346-41,935,347); deleting either gives the same sequence. VCF-style (leftmost placement, unchanged base first): chr17-41935345-TA-T. GRCh37 (hg19) VCF-style: chr17-40091598-TA-T.
Other names: c.245del, p.Lys82fs (NM_001350319.2); short protein forms K82fs.
Identifiers: ClinVar variation 869383 (VCV000869383.7), dbSNP rs781949585, ClinGen allele CA8568935.

ClinVar aggregate classification (germline): Pathogenic/Likely pathogenic. Review status: criteria provided, multiple submitters, no conflicts (2 of 4 stars). 4 submissions from 3 submitters: Pathogenic (3); Likely pathogenic (1). Last evaluated 2026-04-01.

Conditions:
Primary ciliary dyskinesia. Also called: Ciliary dyskinesia. Identifiers: Orphanet 244, MedGen C0008780, MONDO:0016575, HP:0012265.
Primary ciliary dyskinesia 35. Also called: CILIARY DYSKINESIA, PRIMARY, 35, WITH OR WITHOUT SITUS INVERSUS. Identifiers: Orphanet 244, MedGen C4310721, MONDO:0014910, OMIM 617092.
TTC25-related disorders.

Submissions (4):

Department of Human Genetics, Hannover Medical School
Classification: Likely pathogenic for Primary Ciliary Dyskinesia. Last evaluated: 2026-04-01. Review status: criteria provided, single submitter. Criteria: ACMG Guidelines, 2015. Collection method: research. Allele origin: germline. Affected: yes.
Comment: Classification performed by HerediClassify using the following criteria:['PM2_supporting: Variant occures does not occur as homozygous in gnomAD.', 'PVS1_protein_very_strong: Transcript ENST00000377540 is predicted to undergo NMD. ']

Department of Human Genetics, Hannover Medical School
Classification: Pathogenic for Primary ciliary dyskinesia 35. Last evaluated: 2025-04-28. Review status: criteria provided, single submitter. Criteria: ACMG Guidelines, 2015. Collection method: clinical testing. Allele origin: germline. Inheritance: Autosomal recessive inheritance. Affected: yes.
Comment: ACMG: PVS1, PM2_Supporting, PM3_Supporting

Blueprint Genetics
Classification: Pathogenic for TTC25-related disorders. Last evaluated: 2024-09-19. Review status: criteria provided, single submitter. Criteria: ACMG Guidelines, 2015. Collection method: clinical testing. Allele origin: germline. Affected: yes. Observed: 5 variant alleles.

Biology Pathology Center, Lille University Hospital
Classification: Pathogenic for Primary ciliary dyskinesia 35. Review status: criteria provided, single submitter. Criteria: ACMG Guidelines, 2015. Collection method: clinical testing. Allele origin: germline. Inheritance: Autosomal recessive inheritance. Affected: yes. Observed: 1 variant allele, 1 homozygote.